The following is an entry in ClinVar:

NM_000540.3(RYR1):c.10520C>T (p.Thr3507Met)

Gene: RYR1 (ryanodine receptor 1; plus strand). Cytogenetic location: 19q13.2.
Variant type: single nucleotide variant.
Coding change: c.10520C>T on transcript NM_000540.3 (MANE Select); coding-DNA position 10520, C replaced by T.
Protein change: p.Thr3507Met; replaces threonine 3507 with methionine.
Molecular consequence: missense variant.
Genome position (GRCh38, 1-based): chr19:38,525,396, C>T. VCF-style: chr19-38525396-C-T. GRCh37 (hg19) VCF-style: chr19-39016036-C-T.
Other names: c.10520C>T (NM_000540.2); c.10505C>T, p.Thr3502Met (NM_001042723.2); short protein forms T3502M, T3507M.
Identifiers: ClinVar variation 992818 (VCV000992818.8), dbSNP rs371839408, ClinGen allele CA053932.

ClinVar aggregate classification (germline): Uncertain significance. Review status: criteria provided, multiple submitters, no conflicts (2 of 4 stars). 6 submissions from 6 submitters: Uncertain significance (5). 1 of the submissions does not count toward it. Last evaluated 2026-06-24.

Conditions:
King Denborough syndrome (KDS). Identifiers: MedGen C1840365, MONDO:0020485, OMIM 619542.
Congenital multicore myopathy with external ophthalmoplegia (CMYO1B). Also called: MULTIMINICORE DISEASE WITH EXTERNAL OPHTHALMOPLEGIA; MULTICORE MYOPATHY; Congenital myopathy 1B, autosomal recessive; Minicore myopathy; Minicore myopathy with external ophthalmoplegia. Identifiers: Orphanet 598, Orphanet 98905, MedGen C1850674, MONDO:0009712, OMIM 255320, HP:0003789.
Central core myopathy (CMYO1A). Also called: CONGENITAL MYOPATHY 1A, AUTOSOMAL DOMINANT, WITH SUSCEPTIBILITY TO MALIGNANT HYPERTHERMIA; Central core disease; Myopathy, central fibrillar. Identifiers: Orphanet 597, MedGen C5830701, MONDO:0007294, OMIM 117000.
Congenital myopathy with fiber type disproportion. Also called: Congenital fiber-type disproportion; Congenital fiber-type disproportion myopathy. Identifiers: Orphanet 2020, MedGen C0546264, MONDO:0009711. Inheritance: all.
Malignant hyperthermia, susceptibility to, 1 (MHS1). Also called: Anesthesia related hyperthermia; Malignant hyperpyrexia; Fulminating hyperpyrexia; Pharmacogenic myopathy; RYR1-Related Malignant Hyperthermia Susceptibility; Malignant hyperthermia suceptibility 1. Identifiers: Orphanet 423, MedGen C2930980, MONDO:0007783, OMIM 145600.
RYR1-related disorder. Also called: RYR1-related disorders; RYR1-related condition. Identifiers: MedGen CN239331.
Myopathy. Identifiers: MedGen C0026848, MeSH D009135, MONDO:0005336, HP:0003198.

Allele frequency attached by ClinVar (database versions not stated): gnomAD 0.00003 and 0.00004; ExAC 0.00004; TOPMed 0.00005; gnomAD exomes 0.00006 and 0.00009; ESP Exome Variant Server 0.00008.
gnomAD v4.1: 131 of 1,613,892 alleles (0.0081%); highest among the groups gnomAD compares: Non-Finnish European, 0.011%; no homozygotes.

Submissions (6):

GeneDx
Classification: Uncertain significance. Last evaluated: 2026-06-24. Review status: criteria provided, single submitter. Criteria: GeneDx Variant Classification Process June 2021. Collection method: clinical testing. Allele origin: germline.
Comment: Not observed at significant frequency in large population cohorts (gnomAD); In silico analysis supports that this missense variant has a deleterious effect on protein structure/function; Has not been previously published as pathogenic or benign to our knowledge

Women's Health and Genetics/Laboratory Corporation of America, LabCorp
Classification: Uncertain significance. Last evaluated: 2025-11-13. Review status: criteria provided, single submitter. Criteria: LabCorp Variant Classification Summary - May 2015. Collection method: clinical testing. Allele origin: germline.
Comment: Variant summary: RYR1 c.10520C>T (p.Thr3507Met) results in a non-conservative amino acid change in the encoded protein sequence. Algorithms developed to predict the effect of missense changes on protein structure and function all suggest that this variant is likely to be disruptive. The variant allele was found at a frequency of 5.6e-05 in 251372 control chromosomes. This frequency is not significantly higher than estimated for disease-causing variants in RYR1, allowing no conclusion about variant significance. To our knowledge, no occurrence of c.10520C>T in individuals affected with RYR1-related conditions and no experimental evidence demonstrating its impact on protein function have been reported. ClinVar contains an entry for this variant (Variation ID: 992818). Based on the evidence outlined above, the variant was classified as uncertain significance.

Color Diagnostics, LLC DBA Color Health
Classification: Uncertain significance for Malignant hyperthermia, susceptibility to, 1. Last evaluated: 2025-11-11. Review status: criteria provided, single submitter. Criteria: ACMG Guidelines, 2015. Collection method: clinical testing. Allele origin: germline.
Comment: This missense variant replaces threonine with methionine at codon 3507 of the RYR1 protein. Computational prediction suggests that this variant may have deleterious impact on protein structure and function. To our knowledge, functional studies have not been reported for this variant. This variant has not been reported in individuals affected with RYR1-related disorders in the literature. This variant has been identified in 131/1613892 chromosomes in the general population by the Genome Aggregation Database (gnomAD). The available evidence is insufficient to determine the role of this variant in disease conclusively. Therefore, this variant is classified as a Variant of Uncertain Significance.

Labcorp Genetics (formerly Invitae), Labcorp
Classification: Uncertain significance for RYR1-related disorder. Last evaluated: 2022-10-18. Review status: criteria provided, single submitter. Criteria: Invitae Variant Classification Sherloc (09022015). Collection method: clinical testing. Allele origin: germline.
Comment: This sequence change replaces threonine, which is neutral and polar, with methionine, which is neutral and non-polar, at codon 3507 of the RYR1 protein (p.Thr3507Met). This variant is present in population databases (rs371839408, gnomAD 0.01%). This variant has not been reported in the literature in individuals affected with RYR1-related conditions. ClinVar contains an entry for this variant (Variation ID: 992818). Advanced modeling of protein sequence and biophysical properties (such as structural, functional, and spatial information, amino acid conservation, physicochemical variation, residue mobility, and thermodynamic stability) performed at Invitae indicates that this missense variant is expected to disrupt RYR1 protein function. In summary, the available evidence is currently insufficient to determine the role of this variant in disease. Therefore, it has been classified as a Variant of Uncertain Significance.

Fulgent Genetics
Classification: Uncertain significance for Central core myopathy; Malignant hyperthermia, susceptibility to, 1; Congenital myopathy 4A, autosomal dominant; Congenital multicore myopathy with external ophthalmoplegia; King Denborough syndrome. Last evaluated: 2021-07-29. Review status: criteria provided, single submitter. Criteria: ACMG Guidelines, 2015. Collection method: clinical testing. Allele origin: unknown.

Institute of Human Genetics, University of Wuerzburg
Classification: Uncertain significance for Myopathy. Review status: no assertion criteria provided. Collection method: clinical testing. Allele origin: unknown. Not counted in ClinVar's aggregate classification.